The following is an entry in ClinVar:

NM_014874.4(MFN2):c.862G>A (p.Glu288Lys)

Gene: MFN2 (mitofusin 2; plus strand). Cytogenetic location: 1p36.22.
Variant type: single nucleotide variant.
Coding change: c.862G>A on transcript NM_014874.4 (MANE Select); coding-DNA position 862, G replaced by A.
Protein change: p.Glu288Lys; replaces glutamic acid 288 with lysine.
Molecular consequence: missense variant.
Genome position (GRCh38, 1-based): chr1:12,001,446, G>A. VCF-style: chr1-12001446-G-A. GRCh37 (hg19) VCF-style: chr1-12061503-G-A.
Other names: c.862G>A, p.Glu288Lys (NM_001127660.2); short protein forms E288K.
Identifiers: ClinVar variation 4874120 (VCV004874120.2).

ClinVar aggregate classification (germline): Uncertain significance (1 of 4 stars; one submission).

Submission:

CeGaT Center for Human Genetics Tuebingen
Classification: Uncertain significance. Last evaluated: 2026-06-01. Review status: criteria provided, single submitter. Criteria: CeGaT Center For Human Genetics Tuebingen Variant Classification Criteria Version 2. Collection method: clinical testing. Allele origin: germline. Affected: yes. Observed: 1 variant allele.
Comment: MFN2: PM2, PP3, PS4:Supporting